The following is an entry in ClinVar:

NM_017950.4(CCDC40):c.1807-10T>G

Gene: CCDC40 (coiled-coil domain 40 molecular ruler complex subunit; plus strand). Cytogenetic location: 17q25.3.
Variant type: single nucleotide variant.
Coding change: c.1807-10T>G on transcript NM_017950.4 (MANE Select); 10 bases into the intron before coding-DNA position 1807, T replaced by G.
Molecular consequence: intron variant.
Genome position (GRCh38, 1-based): chr17:80,081,866, T>G. VCF-style: chr17-80081866-T-G. GRCh37 (hg19) VCF-style: chr17-78055665-T-G.
Other names: c.1807-10T>G (NM_017950.3, NM_001243342.2).
Identifiers: ClinVar variation 1126197 (VCV001126197.10), dbSNP rs369273325, ClinGen allele CA8814030.
Genomic context (GRCh38, chr17:80,081,866, plus strand): 5'-CCCACAGGTCACACCTGGCGCACGGTGGTGCCTCTTCAGGCACGTGCACCCTGTGGCTCC[T>G]TGTCTCCAGGAACAAATGATACTCACGGAGGAGTTGCAGGCCATCCGCCAAGCCATCCAG-3'

ClinVar aggregate classification (germline): Likely benign. Review status: criteria provided, multiple submitters, no conflicts (2 of 4 stars). 2 submissions from 2 submitters: Likely benign (2). Last evaluated 2026-08-21.

Conditions:
Primary ciliary dyskinesia. Also called: Ciliary dyskinesia. Identifiers: Orphanet 244, MedGen C0008780, MONDO:0016575, HP:0012265.
CCDC40-related disorder. Also called: CCDC40-related condition.

Allele frequency attached by ClinVar (database versions not stated): gnomAD exomes 0.00004; ExAC 0.00006; gnomAD 0.00014 and 0.00016; TOPMed 0.00015; ESP Exome Variant Server 0.00016.
gnomAD v4.1: 52 of 1,613,968 alleles (0.0032%); highest among the groups gnomAD compares: African/African-American, 0.064%; no homozygotes.

Submissions (2):

PreventionGenetics, part of Exact Sciences
Classification: Likely benign for CCDC40-related condition. Last evaluated: 2026-08-21. Review status: criteria provided, single submitter. Criteria: ACMG Guidelines, 2015. Collection method: clinical testing. Allele origin: germline.
Comment: This variant is classified as likely benign based on ACMG/AMP sequence variant interpretation guidelines (Richards et al. 2015 PMID: 25741868, with internal and published modifications).

Labcorp Genetics (formerly Invitae), Labcorp
Classification: Likely benign for Primary ciliary dyskinesia. Last evaluated: 2024-08-21. Review status: criteria provided, single submitter. Criteria: Invitae Variant Classification Sherloc (09022015). Collection method: clinical testing. Allele origin: germline.